The following is an entry in ClinVar:

ClinVar aggregate classification (germline): Likely benign (1 of 4 stars; one submission).

Allele frequency attached by ClinVar (database versions not stated): 1000 Genomes Project 30x 0.00234; 1000 Genomes Project 0.00260; TOPMed 0.00303; gnomAD 0.00338; ExAC 0.00380; ESP Exome Variant Server 0.00408; gnomAD exomes 0.00529.
gnomAD v4.1: 8,164 of 1,614,172 alleles (0.51%); highest among the groups gnomAD compares: Non-Finnish European, 0.62%; 35 homozygotes.

Submission:

CeGaT Center for Human Genetics Tuebingen
Classification: Likely benign. Last evaluated: 2022-07-01. Review status: criteria provided, single submitter. Criteria: CeGaT Center For Human Genetics Tuebingen Variant Classification Criteria Version 2. Collection method: clinical testing. Allele origin: germline. Affected: yes. Observed: 1 variant allele.
Comment: GCNT1: BP4, BP7

NM_001490.5(GCNT1):c.795G>A (p.Lys265=)

Gene: GCNT1 (glucosaminyl (N-acetyl) transferase 1; plus strand). Cytogenetic location: 9q21.13.
Variant type: single nucleotide variant.
Coding change: c.795G>A on transcript NM_001490.5 (MANE Select); coding-DNA position 795, G replaced by A.
Protein change: p.Lys265=; no amino-acid change (lysine 265 retained).
Molecular consequence: synonymous variant.
Genome position (GRCh38, 1-based): chr9:76,503,176, G>A. VCF-style: chr9-76503176-G-A. GRCh37 (hg19) VCF-style: chr9-79118092-G-A.
Other names: c.795G>A, p.Lys265= (NM_001097633.2, NM_001097634.1, NM_001097635.2 and 5 more transcripts).
Identifiers: ClinVar variation 2659259 (VCV002659259.24), dbSNP rs41288759, ClinGen allele CA5088699.
Genomic context (GRCh38, chr9:76,503,176, plus strand): 5'-GAGGATGCCATCCCATAAAGAAGAAAGGTGGAAGAAGCGGTATGAGGTCGTTAATGGAAA[G>A]CTGACAAACACAGGGACTGTCAAAATGCTTCCTCCACTCGAAACACCTCTCTTTTCTGGC-3'
Protein context (NP_001481.2, residues 255-275): WKKRYEVVNG[Lys265=]LTNTGTVKML